The following is an entry in ClinVar:

ClinVar aggregate classification (germline): Likely benign (1 of 4 stars; one submission).

Submission:

CeGaT Center for Human Genetics Tuebingen
Classification: Likely benign. Last evaluated: 2022-09-01. Review status: criteria provided, single submitter. Criteria: CeGaT Center For Human Genetics Tuebingen Variant Classification Criteria Version 2. Collection method: clinical testing. Allele origin: germline. Affected: yes. Observed: 1 variant allele.
Comment: BRPF1: PM2:Supporting, BP4, BP7

NM_001003694.2(BRPF1):c.1077G>A (p.Glu359=)

Gene: BRPF1 (bromodomain and PHD finger containing 1; plus strand). Cytogenetic location: 3p25.3.
Variant type: single nucleotide variant.
Coding change: c.1077G>A on transcript NM_001003694.2 (MANE Select); coding-DNA position 1077, G replaced by A.
Protein change: p.Glu359=; no amino-acid change (glutamic acid 359 retained).
Molecular consequence: synonymous variant. On other transcripts: non-coding transcript variant (1).
Genome position (GRCh38, 1-based): chr3:9,739,476, G>A. VCF-style: chr3-9739476-G-A. GRCh37 (hg19) VCF-style: chr3-9781160-G-A.
Other names: c.1077G>A, p.Glu359= (NM_001319049.2, NM_001319050.2, NM_001410704.1 and 1 more transcripts).
Identifiers: ClinVar variation 2653485 (VCV002653485.24), dbSNP rs2471471793, ClinGen allele CA432529157.